The following is an entry in ClinVar:

ClinVar aggregate classification (germline): Uncertain significance (1 of 4 stars; one submission).

gnomAD v4.1: 2 of 1,606,430 alleles (0.00012%); highest among the groups gnomAD compares: Non-Finnish European, 0.00017%; no homozygotes.

Submission:

Labcorp Genetics (formerly Invitae), Labcorp
Classification: Uncertain significance. Last evaluated: 2022-11-01. Review status: criteria provided, single submitter. Criteria: Invitae Variant Classification Sherloc (09022015). Collection method: clinical testing. Allele origin: germline.
Comment: This variant is present in population databases (no rsID available, gnomAD 0.007%). This sequence change replaces arginine, which is basic and polar, with glycine, which is neutral and non-polar, at codon 484 of the PDP1 protein (p.Arg484Gly). In summary, the available evidence is currently insufficient to determine the role of this variant in disease. Therefore, it has been classified as a Variant of Uncertain Significance. Algorithms developed to predict the effect of missense changes on protein structure and function (SIFT, PolyPhen-2, Align-GVGD) all suggest that this variant is likely to be disruptive. ClinVar contains an entry for this variant (Variation ID: 1424256). This variant has not been reported in the literature in individuals affected with PDP1-related conditions.

NM_018444.4(PDP1):c.1450C>G (p.Arg484Gly)

Gene: PDP1 (pyruvate dehydrogenase phosphatase catalytic subunit 1; plus strand). Cytogenetic location: 8q22.1.
Variant type: single nucleotide variant.
Coding change: c.1450C>G on transcript NM_018444.4 (MANE Select); coding-DNA position 1450, C replaced by G.
Protein change: p.Arg484Gly; replaces arginine 484 with glycine.
Molecular consequence: missense variant.
Genome position (GRCh38, 1-based): chr8:93,923,509, C>G. VCF-style: chr8-93923509-C-G. GRCh37 (hg19) VCF-style: chr8-94935737-C-G.
Other names: c.1525C>G, p.Arg509Gly (NM_001161779.2, NM_001161780.2); c.1450C>G, p.Arg484Gly (NM_001161781.2); short protein forms R484G, R509G.
Identifiers: ClinVar variation 1424256 (VCV001424256.6), dbSNP rs745958515, ClinGen allele CA371697415.